The following is an entry in ClinVar:

ClinVar aggregate classification (germline): Uncertain significance. Review status: criteria provided, multiple submitters, no conflicts (2 of 4 stars). 2 submissions from 2 submitters: Uncertain significance (2). Last evaluated 2021-11-24.

Conditions:
Hereditary breast ovarian cancer syndrome. Also called: Hereditary breast and ovarian cancer syndrome (HBOC); BRCA1- and BRCA2-Associated Hereditary Breast and Ovarian Cancer; Hereditary breast and/or ovarian cancer syndrome; Hereditary breast and ovarian cancer syndrome; Hereditary breast and ovarian cancer; Breast and ovarian cancer. Identifiers: Orphanet 145, MedGen C0677776, MeSH D061325, MONDO:0003582. Disease mechanism: loss of function.

Allele frequency attached by ClinVar (database versions not stated): gnomAD exomes below 0.00001.

Submissions (3):

Women's Health and Genetics/Laboratory Corporation of America, LabCorp
Classification: Uncertain significance. Last evaluated: 2021-11-24. Review status: criteria provided, single submitter. Criteria: LabCorp Variant Classification Summary - May 2015. Collection method: clinical testing. Allele origin: germline.
Comment: Variant summary: BRCA1 c.5193+6T>C alters a conserved nucleotide located close to a canonical splice site and therefore could affect mRNA splicing, leading to a significantly altered protein sequence. Although 4/4 computational tools predict no significant impact on normal splicing, these predictions have yet to be confirmed by functional studies. The variant was absent in 251034 control chromosomes. The available data on variant occurrences in the general population are insufficient to allow any conclusion about variant significance. To our knowledge, no occurrence of c.5193+6T>C in individuals affected with Hereditary Breast and Ovarian Cancer Syndrome has been reported. One functional study reported experimental evidence evaluating an impact on protein function and showed no damaging effect of this variant in homology directed repair (HDR) activity (Findlay_2018). One clinical diagnostic laboratory has submitted clinical-significance assessments for this variant to ClinVar after 2014, and classified the variant as uncertain significance. Based on the evidence outlined above, the variant was classified as VUS.

Labcorp Genetics (formerly Invitae), Labcorp
Classification: Uncertain significance for Hereditary breast ovarian cancer syndrome. Last evaluated: 2020-11-23. Review status: criteria provided, single submitter. Criteria: Invitae Variant Classification Sherloc (09022015). Collection method: clinical testing. Allele origin: germline.
Comment: This sequence change falls in intron 18 of the BRCA1 gene. It does not directly change the encoded amino acid sequence of the BRCA1 protein, but it affects a nucleotide within the consensus splice site of the intron. This variant is not present in population databases (ExAC no frequency). This variant has not been reported in the literature in individuals with BRCA1-related conditions. ClinVar contains an entry for this variant (Variation ID: 462664). Experimental studies have shown that this variant does not affect mRNA splicing (PMID: 30209399). In summary, the available evidence is currently insufficient to determine the role of this variant in disease. Therefore, it has been classified as a Variant of Uncertain Significance.

Brotman Baty Institute, University of Washington
No classification provided (evidence only). Condition: Breast-ovarian cancer, familial 1. Review status: no classification provided. Collection method: in vitro. Allele origin: not applicable. Functional consequence: functionally_normal. Not counted in ClinVar's aggregate classification.
ClinVar note: "not provided" was previously submitted as the classification for the variant. However, the classification appeared to be based only on an observation of functional data so it was converted to no classification on 2025-07-30.

Literature cited by the submitters: PubMed 30209399 (cited by Women's Health and Genetics/Laboratory Corporation of America, LabCorp and Labcorp Genetics (formerly Invitae), Labcorp).

NM_007294.4(BRCA1):c.5193+6T>C

Gene: BRCA1 (BRCA1 DNA repair associated; minus strand). Cytogenetic location: 17q21.31.
Variant type: single nucleotide variant.
Coding change: c.5193+6T>C on transcript NM_007294.4 (MANE Select); 6 bases into the intron after coding-DNA position 5193, T replaced by C.
Molecular consequence: intron variant.
Genome position (GRCh38, 1-based): chr17:43,063,327, A>G on the plus strand (T>C on the coding strand, the complement: BRCA1 is on the minus strand). VCF-style: chr17-43063327-A-G. GRCh37 (hg19) VCF-style: chr17-41215344-A-G.
Other names: c.1761+6T>C (NM_001408427.1, NM_001408431.1, NM_001408425.1 and 4 more transcripts); c.5070+6T>C (NM_001407668.1, NM_001407664.1, NM_001407666.1 and 6 more transcripts); c.5190+6T>C (NM_001407622.1, NM_001407860.1, NM_001407611.1 and 17 more transcripts); c.5193+6T>C (NM_001407602.1, NM_001407597.1, NM_001407605.1 and 7 more transcripts); c.5256+6T>C (NM_001407585.1, NM_007300.4, NM_001407583.1 and 1 more transcripts); c.4923+6T>C (NM_001407936.1, NM_001407934.1, NM_001407935.1); c.5046+6T>C (NM_001407849.1, NM_001407845.1, NM_001407852.1 and 12 more transcripts); c.5049+6T>C (NM_001407744.1, NM_001407750.1, NM_001407732.1 and 21 more transcripts); and 72 more.
Identifiers: ClinVar variation 462664 (VCV000462664.15), dbSNP rs1555578283, ClinGen allele CA658656670.